The following is an entry in ClinVar:

NM_030632.3(ASXL3):c.1090A>G (p.Met364Val)

Gene: ASXL3 (ASXL transcriptional regulator 3; plus strand). Cytogenetic location: 18q12.1.
Variant type: single nucleotide variant.
Coding change: c.1090A>G on transcript NM_030632.3 (MANE Select); coding-DNA position 1090, A replaced by G.
Protein change: p.Met364Val; replaces methionine 364 with valine.
Molecular consequence: missense variant.
Genome position (GRCh38, 1-based): chr18:33,738,494, A>G. VCF-style: chr18-33738494-A-G. GRCh37 (hg19) VCF-style: chr18-31318458-A-G.
Other names: short protein forms M364V.
Identifiers: ClinVar variation 1804364 (VCV001804364.1), dbSNP rs2510915518, ClinGen allele CA402174166.

ClinVar aggregate classification (germline): Uncertain significance (1 of 4 stars; one submission).

Submission:

GeneDx
Classification: Uncertain significance. Last evaluated: 2022-06-13. Review status: criteria provided, single submitter. Criteria: GeneDx Variant Classification Process June 2021. Collection method: clinical testing. Allele origin: germline. Affected: yes.
Comment: Not observed at significant frequency in large population cohorts (gnomAD); In silico analysis supports that this missense variant does not alter protein structure/function; Has not been previously published as pathogenic or benign to our knowledge